The following is an entry in ClinVar:

ClinVar aggregate classification (germline): Uncertain significance (1 of 4 stars; one submission).

Conditions:
Medium-chain acyl-coenzyme A dehydrogenase deficiency (ACADMD). Also called: MCADD; Medium chain acyl-CoA dehydrogenase deficiency; ACADM DEFICIENCY; MCAD Deficiency; MCADH DEFICIENCY; CARNITINE DEFICIENCY SECONDARY TO MEDIUM-CHAIN ACYL-CoA DEHYDROGENASE DEFICIENCY. Identifiers: Orphanet 42, MedGen C0220710, MONDO:0008721, OMIM 201450.

Allele frequency attached by ClinVar (database versions not stated): gnomAD exomes below 0.00001.
gnomAD v4.1: 1 of 1,610,204 alleles (0.000062%); highest among the groups gnomAD compares: Non-Finnish European, 0.000085%; no homozygotes.

Submission:

Labcorp Genetics (formerly Invitae), Labcorp
Classification: Uncertain significance for Medium-chain acyl-coenzyme A dehydrogenase deficiency. Last evaluated: 2021-03-10. Review status: criteria provided, single submitter. Criteria: Invitae Variant Classification Sherloc (09022015). Collection method: clinical testing. Allele origin: germline.
Comment: This sequence change replaces glutamine with glutamic acid at codon 232 of the ACADM protein (p.Gln232Glu). The glutamine residue is moderately conserved and there is a small physicochemical difference between glutamine and glutamic acid. This variant is not present in population databases (ExAC no frequency). This variant has not been reported in the literature in individuals with ACADM-related conditions. Advanced modeling of protein sequence and biophysical properties (such as structural, functional, and spatial information, amino acid conservation, physicochemical variation, residue mobility, and thermodynamic stability) performed at Invitae indicates that this missense variant is not expected to disrupt ACADM protein function. In summary, the available evidence is currently insufficient to determine the role of this variant in disease. Therefore, it has been classified as a Variant of Uncertain Significance.

NM_000016.6(ACADM):c.694C>G (p.Gln232Glu)

Gene: ACADM (acyl-CoA dehydrogenase medium chain; plus strand). Cytogenetic location: 1p31.1.
Variant type: single nucleotide variant.
Coding change: c.694C>G on transcript NM_000016.6 (MANE Select); coding-DNA position 694, C replaced by G.
Protein change: p.Gln232Glu; replaces glutamine 232 with glutamic acid.
Molecular consequence: missense variant.
Genome position (GRCh38, 1-based): chr1:75,745,900, C>G. VCF-style: chr1-75745900-C-G. GRCh37 (hg19) VCF-style: chr1-76211585-C-G.
Other names: c.706C>G, p.Gln236Glu (NM_001127328.3); c.586C>G, p.Gln196Glu (NM_001286042.2); c.793C>G, p.Gln265Glu (NM_001286043.2); c.127C>G, p.Gln43Glu (NM_001286044.2); short protein forms Q236E, Q265E, Q232E, Q43E, Q196E.
Identifiers: ClinVar variation 1349200 (VCV001349200.8), dbSNP rs2100408490, ClinGen allele CA340816232.